The following is an entry in ClinVar:

ClinVar aggregate classification (germline): Pathogenic. Review status: criteria provided, multiple submitters, no conflicts (2 of 4 stars). 4 submissions from 4 submitters: Pathogenic (4). Last evaluated 2023-07-07.

Conditions:
Hypertrophic cardiomyopathy 4. Also called: Familial hypertrophic cardiomyopathy 4. Identifiers: MedGen C1861862, MONDO:0007268, OMIM 115197.
Hypertrophic cardiomyopathy. Also called: HYPERTROPHIC MYOCARDIOPATHY. Identifiers: Orphanet 217569, MedGen C0007194, MeSH D002312, MONDO:0005045, HP:0001639.

Allele frequency attached by ClinVar (database versions not stated): gnomAD exomes below 0.00001.

Submissions (4):

Institute of Human Genetics Munich, TUM University Hospital
Classification: Pathogenic for Hypertrophic cardiomyopathy 4. Last evaluated: 2023-07-07. Review status: criteria provided, single submitter. Criteria: Classification criteria August 2017. Collection method: clinical testing. Allele origin: germline. Inheritance: Autosomal dominant inheritance. Affected: yes. Observed: 1 variant allele.

Labcorp Genetics (formerly Invitae), Labcorp
Classification: Pathogenic for Hypertrophic cardiomyopathy. Last evaluated: 2022-07-18. Review status: criteria provided, single submitter. Criteria: Invitae Variant Classification Sherloc (09022015). Collection method: clinical testing. Allele origin: germline.
Comment: This variant is not present in population databases (gnomAD no frequency). This sequence change creates a premature translational stop signal (p.Gly144Alafs*8) in the MYBPC3 gene. It is expected to result in an absent or disrupted protein product. Loss-of-function variants in MYBPC3 are known to be pathogenic (PMID: 19574547). For these reasons, this variant has been classified as Pathogenic. ClinVar contains an entry for this variant (Variation ID: 42749). This premature translational stop signal has been observed in individual(s) with hypertrophic cardiomyopathy (PMID: 25611685, 27532257).

Victorian Clinical Genetics Services, Murdoch Childrens Research Institute
Classification: Pathogenic for Hypertrophic cardiomyopathy 4. Last evaluated: 2020-10-19. Review status: criteria provided, single submitter. Criteria: ACMG Guidelines, 2015. Collection method: clinical testing. Allele origin: germline. Inheritance: Autosomal dominant inheritance. Affected: yes.
Comment: Based on the classification scheme VCGS_Germline_v1.1.1, this variant is classified as Pathogenic. Following criteria are met: 0102 - Loss-of-function is a known mechanism of disease for this gene. (N) 0108 - This gene is known to be associated with both recessive and dominant disease. (N) 0201 - Variant is predicted to cause nonsense-mediated decay (NMD) and loss of protein. (P) Exon 4 of 35. 0251 - Variant is heterozygous. (N) 0301 - Variant is absent from gnomAD. (P) 0701 - Comparable variants have very strong previous evidence for pathogenicity. (P) All / most frameshift / nonsense variants are reported as Pathogenic / Likely Pathogenic (ClinVar, Decipher). 0803 - Low previous evidence of pathogenicity in unrelated individuals. (P) There appears to be only one previously reported patient with this variant. (ClinVar, also shown in the Atlas of Cardiac Genetic variation, and described in Walsh, R. et al. (2017)). 0905 - No segregation evidence has been identified for this variant. (N) 1007 - No published functional evidence has been identified for this variant. (N)

Laboratory for Molecular Medicine, Mass General Brigham Personalized Medicine
Classification: Pathogenic for Hypertrophic cardiomyopathy. Last evaluated: 2012-05-10. Review status: criteria provided, single submitter. Criteria: LMM Criteria. Collection method: clinical testing. Allele origin: germline. Observed: 1 variant allele.
Comment: The Gly144fs variant in MYBPC3 has not been reported in the literature nor previ ously identified by our laboratory out of >3500 individuals (>2100 Caucasian; LM M unpublished data). This low frequency supports a pathogenic role. This framesh ift variant is predicted to alter the protein?s amino acid sequence beginning at position 144 and lead to a premature termination codon 8 amino acids downstream . This alteration is then predicted to lead to a truncated or absent protein. He terozygous loss of function of function of the MYBPC3 gene is an established dis ease mechanism in HCM patients. In summary, this variant meets our criteria to b e classified as pathogenic.

Literature cited by the submitters: PubMed 19574547 (cited by Labcorp Genetics (formerly Invitae), Labcorp); PubMed 25611685 (cited by Labcorp Genetics (formerly Invitae), Labcorp); PubMed 27532257 (cited by Labcorp Genetics (formerly Invitae), Labcorp).

NM_000256.3(MYBPC3):c.431_432del (p.Gly144fs)

Gene: MYBPC3 (myosin binding protein C3; minus strand). Cytogenetic location: 11p11.2.
Variant type: Deletion.
Coding change: c.431_432del on transcript NM_000256.3 (MANE Select); coding-DNA positions 431 to 432, 2 bases deleted (GT; older notation c.431_432delGT).
Protein change: p.Gly144fs; shifts the reading frame from glycine 144.
Molecular consequence: frameshift variant.
Genome position (GRCh38, 1-based): chr11:47,350,087-47,350,088, AC deleted on the plus strand (GT on the coding strand, the reverse complement: MYBPC3 is on the minus strand). VCF-style (leftmost placement, unchanged base first): chr11-47350086-GAC-G. GRCh37 (hg19) VCF-style: chr11-47371637-GAC-G.
Other names: c.431_432del, p.Gly144fs (LRG_386t1); c.431_432delGT (NM_000256.3); short protein forms G144fs.
Identifiers: ClinVar variation 42749 (VCV000042749.11), dbSNP rs397516047, ClinGen allele CA015073.
Genomic context (GRCh38, chr11:47,350,086, plus strand): 5'-CGCCATCCTGTGGCCGCATCACGAAGAGGCCAATGGGGTCATCGGGGGCTCCAGGGGTAG[GAC>G]CATTGAGAGCTGCTGAGCTTGACCCTGTGAGCAAAGGCTTTTTCTGTTTGTTTGAGATGG-3'